The following is an entry in ClinVar:

NM_000179.3(MSH6):c.1601A>C (p.Asn534Thr)

Gene: MSH6 (mutS homolog 6; plus strand). Cytogenetic location: 2p16.3.
Variant type: single nucleotide variant.
Coding change: c.1601A>C on transcript NM_000179.3 (MANE Select); coding-DNA position 1601, A replaced by C.
Protein change: p.Asn534Thr; replaces asparagine 534 with threonine.
Molecular consequence: missense variant.
Genome position (GRCh38, 1-based): chr2:47,799,584, A>C. VCF-style: chr2-47799584-A-C. GRCh37 (hg19) VCF-style: chr2-48026723-A-C.
Other names: c.1211A>C, p.Asn404Thr (NM_001281492.2); c.695A>C, p.Asn232Thr (NM_001281493.2, NM_001281494.2); short protein forms N232T, N404T, N534T.
Identifiers: ClinVar variation 920543 (VCV000920543.9), dbSNP rs1572723598, ClinGen allele CA346746956.
Genomic context (GRCh38, chr2:47,799,584, plus strand): 5'-GTAGGATCATTACCAAGGGTACACAGACTTACAGTGTGCTGGAAGGTGATCCCTCTGAGA[A>C]CTACAGTAAGTATCTTCTTAGCCTCAAAGAAAAAGAGGAAGATTCTTCTGGCCATACTCG-3'
Protein context (NP_000170.1, residues 524-544): YSVLEGDPSE[Asn534Thr]YSKYLLSLKE

ClinVar aggregate classification (germline): Conflicting classifications of pathogenicity. Review status: criteria provided, conflicting classifications (1 of 4 stars). 3 submissions from 3 submitters: Uncertain significance (2); Likely benign (1). Last evaluated 2024-03-11.

Conditions:
Hereditary cancer-predisposing syndrome. Also called: Neoplastic Syndromes, Hereditary; Tumor predisposition; Hereditary Cancer Syndrome; Hereditary neoplastic syndrome. Identifiers: Orphanet 140162, MedGen C0027672, MeSH D009386, MONDO:0015356.
Hereditary nonpolyposis colorectal neoplasms. Identifiers: MedGen C0009405, MeSH D003123.

Allele frequency attached by ClinVar (database versions not stated): gnomAD exomes below 0.00001; TOPMed below 0.00001; gnomAD 0.00001.
gnomAD v4.1: 3 of 1,614,044 alleles (0.00019%); highest among the groups gnomAD compares: Non-Finnish European, 0.00025%; no homozygotes.

Submissions (3):

Ambry Genetics
Classification: Likely benign for Hereditary cancer-predisposing syndrome. Last evaluated: 2024-03-11. Review status: criteria provided, single submitter. Criteria: Ambry Variant Classification Scheme 2023. Collection method: clinical testing. Allele origin: germline.

Labcorp Genetics (formerly Invitae), Labcorp
Classification: Uncertain significance for Hereditary nonpolyposis colorectal neoplasms. Last evaluated: 2023-05-22. Review status: criteria provided, single submitter. Criteria: Invitae Variant Classification Sherloc (09022015). Collection method: clinical testing. Allele origin: germline.
Comment: In summary, the available evidence is currently insufficient to determine the role of this variant in disease. Therefore, it has been classified as a Variant of Uncertain Significance. Advanced modeling of protein sequence and biophysical properties (such as structural, functional, and spatial information, amino acid conservation, physicochemical variation, residue mobility, and thermodynamic stability) performed at Invitae indicates that this missense variant is not expected to disrupt MSH6 protein function. ClinVar contains an entry for this variant (Variation ID: 920543). This variant has not been reported in the literature in individuals affected with MSH6-related conditions. This variant is not present in population databases (gnomAD no frequency). This sequence change replaces asparagine, which is neutral and polar, with threonine, which is neutral and polar, at codon 534 of the MSH6 protein (p.Asn534Thr).

Color Diagnostics, LLC DBA Color Health
Classification: Uncertain significance for Hereditary cancer-predisposing syndrome. Last evaluated: 2019-11-19. Review status: criteria provided, single submitter. Criteria: ACMG Guidelines, 2015. Collection method: clinical testing. Allele origin: germline.
Comment: This missense variant replaces asparagine with threonine at codon 534 of the MSH6 protein. Computational prediction suggests that this variant may not impact protein structure and function (internally defined REVEL score threshold <= 0.5, PMID: 27666373). Splice site prediction tools suggest that this variant may not impact RNA splicing. To our knowledge, functional studies have not been performed for this variant. This variant has not been reported in individuals affected with hereditary cancer in the literature. This variant has not been identified in the general population by the Genome Aggregation Database (gnomAD). The available evidence is insufficient to determine the role of this variant in disease conclusively. Therefore, this variant is classified as a Variant of Uncertain Significance.